The following is an entry in ClinVar:

NM_004006.3(DMD):c.10783C>T (p.Gln3595Ter)

Gene: DMD (dystrophin; minus strand). Cytogenetic location: Xp21.2.
Variant type: single nucleotide variant.
Coding change: c.10783C>T on transcript NM_004006.3 (MANE Select); coding-DNA position 10783, C replaced by T.
Protein change: p.Gln3595Ter; replaces glutamine 3595 with a stop codon.
Molecular consequence: nonsense.
Genome position (GRCh38, 1-based): chrX:31,147,289, G>A on the plus strand (C>T on the coding strand, the complement: DMD is on the minus strand). VCF-style: chrX-31147289-G-A. GRCh37 (hg19) VCF-style: chrX-31165406-G-A.
Other names: c.10759C>T, p.Gln3587Ter (NM_000109.4); c.10771C>T, p.Gln3591Ter (NM_004009.3); c.10414C>T, p.Gln3472Ter (NM_004010.3); c.6760C>T, p.Gln2254Ter (NM_004011.4); c.6751C>T, p.Gln2251Ter (NM_004012.4); c.3403C>T, p.Gln1135Ter (NM_004013.3, NM_004021.3); c.2596C>T, p.Gln866Ter (NM_004014.3); c.1579C>T, p.Gln527Ter (NM_004015.3, NM_004016.3); and 3 more; short protein forms Q3595*, Q1135*, Q514*, Q1025*, Q1122*, Q2251*, Q2254*, Q3472*.
Identifiers: ClinVar variation 526051 (VCV000526051.11), dbSNP rs1385794215, ClinGen allele CA412649008.

ClinVar aggregate classification (germline): Pathogenic (1 of 4 stars; one submission).

Conditions:
Duchenne muscular dystrophy (DMD). Also called: Duchenne Muscular Dystrophy (DMD); MUSCULAR DYSTROPHY, PSEUDOHYPERTROPHIC PROGRESSIVE, DUCHENNE TYPE. Identifiers: Orphanet 98896, MedGen C0013264, MONDO:0010679, OMIM 310200.

Submission:

Labcorp Genetics (formerly Invitae), Labcorp
Classification: Pathogenic for Duchenne muscular dystrophy. Last evaluated: 2021-01-16. Review status: criteria provided, single submitter. Criteria: Invitae Variant Classification Sherloc (09022015). Collection method: clinical testing. Allele origin: germline.
Comment: Loss-of-function variants in DMD are known to be pathogenic (PMID: 16770791, 25007885). This sequence change creates a premature translational stop signal (p.Gln3595*) in the DMD gene. It is expected to result in an absent or disrupted protein product. This variant is not present in population databases (ExAC no frequency). This variant has been reported in individuals affected with DMD-related muscular dystrophy (PMID: 9760747, 21396098, 21399986). ClinVar contains an entry for this variant (Variation ID: 526051). Algorithms developed to predict the effect of sequence changes on RNA splicing suggest that this variant may create or strengthen a splice site, but this prediction has not been confirmed by published transcriptional studies. For these reasons, this variant has been classified as Pathogenic.

Literature cited by the submitters: PubMed 16770791; PubMed 25007885; PubMed 9760747; PubMed 21396098; PubMed 21399986.